The following is an entry in ClinVar:

NM_016169.4(SUFU):c.1307C>G (p.Thr436Ser)

Gene: SUFU (SUFU negative regulator of hedgehog signaling; plus strand). Cytogenetic location: 10q24.32.
Variant type: single nucleotide variant.
Coding change: c.1307C>G on transcript NM_016169.4 (MANE Select); coding-DNA position 1307, C replaced by G.
Protein change: p.Thr436Ser; replaces threonine 436 with serine.
Molecular consequence: missense variant.
Genome position (GRCh38, 1-based): chr10:102,627,185, C>G. VCF-style: chr10-102627185-C-G. GRCh37 (hg19) VCF-style: chr10-104386942-C-G.
Other names: short protein forms T436S.
Identifiers: ClinVar variation 3226868 (VCV003226868.1), dbSNP rs2492836692, ClinGen allele CA377918723.
Genomic context (GRCh38, chr10:102,627,185, plus strand): 5'-AGATCATACATTTAAAAATAATAATAAAAGCCTGCCTTGTGCCTTCACAGATTCTGTTGA[C>G]CGAAGAGTTTGTAGAGAAAATGTTGGAGGATTTAGAAGATTTGACTTCTCCAGAGGAAGT-3'
Protein context (NP_057253.2, residues 426-446): AHGPWLQILL[Thr436Ser]EEFVEKMLED

ClinVar aggregate classification (germline): Uncertain significance (1 of 4 stars; one submission).

Conditions:
Hereditary cancer-predisposing syndrome. Also called: Neoplastic Syndromes, Hereditary; Tumor predisposition; Hereditary neoplastic syndrome; Hereditary Cancer Syndrome. Identifiers: Orphanet 140162, MedGen C0027672, MeSH D009386, MONDO:0015356.

Submission:

Ambry Genetics
Classification: Uncertain significance for Hereditary cancer-predisposing syndrome. Last evaluated: 2023-09-25. Review status: criteria provided, single submitter. Criteria: Ambry Variant Classification Scheme 2023. Collection method: clinical testing. Allele origin: germline.
Comment: The p.T436S variant (also known as c.1307C>G), located in coding exon 11 of the SUFU gene, results from a C to G substitution at nucleotide position 1307. The threonine at codon 436 is replaced by serine, an amino acid with similar properties. This amino acid position is conserved. In addition, this alteration is predicted to be tolerated by in silico analysis. Since supporting evidence is limited at this time, the clinical significance of this alteration remains unclear.